The following is an entry in ClinVar:

NM_024422.6(DSC2):c.413C>T (p.Ala138Val)

Gene: DSC2 (desmocollin 2; minus strand). Cytogenetic location: 18q12.1.
Variant type: single nucleotide variant.
Coding change: c.413C>T on transcript NM_024422.6 (MANE Select); coding-DNA position 413, C replaced by T.
Protein change: p.Ala138Val; replaces alanine 138 with valine.
Molecular consequence: missense variant.
Genome position (GRCh38, 1-based): chr18:31,091,089, G>A on the plus strand (C>T on the coding strand, the complement: DSC2 is on the minus strand). VCF-style: chr18-31091089-G-A. GRCh37 (hg19) VCF-style: chr18-28671052-G-A.
Other names: c.-17C>T (NM_001406506.1, NM_001406507.1); c.413C>T, p.Ala138Val (NM_004949.5); short protein forms A138V.
Identifiers: ClinVar variation 1994282 (VCV001994282.4), dbSNP rs2510955005, ClinGen allele CA402114292.

ClinVar aggregate classification (germline): Uncertain significance (1 of 4 stars; one submission).

Conditions:
Arrhythmogenic right ventricular dysplasia 11. Also called: Arrhythmogenic Right Ventricular Dysplasia/Cardiomyopathy11; ARRHYTHMOGENIC RIGHT VENTRICULAR DYSPLASIA, FAMILIAL, 11; Arrhythmogenic right ventricular dysplasia 11 with mild palmoplantar keratoderma and woolly hair. Identifiers: MedGen C1864850, MONDO:0012506, OMIM 610476.

Allele frequency attached by ClinVar (database versions not stated): gnomAD exomes below 0.00001.
gnomAD v4.1: 1 of 1,614,018 alleles (0.000062%); highest among the groups gnomAD compares: Non-Finnish European, 0.000085%; no homozygotes.

Submission:

Labcorp Genetics (formerly Invitae), Labcorp
Classification: Uncertain significance for Arrhythmogenic right ventricular dysplasia 11. Last evaluated: 2025-02-12. Review status: criteria provided, single submitter. Criteria: Invitae Variant Classification Sherloc (09022015). Collection method: clinical testing. Allele origin: germline.
Comment: This sequence change replaces alanine, which is neutral and non-polar, with valine, which is neutral and non-polar, at codon 138 of the DSC2 protein (p.Ala138Val). This variant is not present in population databases (gnomAD no frequency). This variant has not been reported in the literature in individuals affected with DSC2-related conditions. ClinVar contains an entry for this variant (Variation ID: 1994282). Invitae Evidence Modeling of protein sequence and biophysical properties (such as structural, functional, and spatial information, amino acid conservation, physicochemical variation, residue mobility, and thermodynamic stability) has been performed for this missense variant. However, the output from this modeling did not meet the statistical confidence thresholds required to predict the impact of this variant on DSC2 protein function. In summary, the available evidence is currently insufficient to determine the role of this variant in disease. Therefore, it has been classified as a Variant of Uncertain Significance.